The following is an entry in ClinVar:

NM_006164.5(NFE2L2):c.445G>A (p.Gly149Ser)

Gene: NFE2L2 (NFE2 like bZIP transcription factor 2; minus strand). Cytogenetic location: 2q31.2.
Variant type: single nucleotide variant.
Coding change: c.445G>A on transcript NM_006164.5 (MANE Select); coding-DNA position 445, G replaced by A.
Protein change: p.Gly149Ser; replaces glycine 149 with serine.
Molecular consequence: missense variant.
Genome position (GRCh38, 1-based): chr2:177,232,541, C>T on the plus strand (G>A on the coding strand, the complement: NFE2L2 is on the minus strand). VCF-style: chr2-177232541-C-T. GRCh37 (hg19) VCF-style: chr2-178097269-C-T.
Other names: c.397G>A, p.Gly133Ser (NM_001145412.3, NM_001313900.1, NM_001313901.1); c.376G>A, p.Gly126Ser (NM_001145413.3); c.355G>A, p.Gly119Ser (NM_001313902.2); c.226G>A, p.Gly76Ser (NM_001313903.2); c.145G>A, p.Gly49Ser (NM_001313904.1); short protein forms G119S, G126S, G133S, G149S, G49S, G76S.
Identifiers: ClinVar variation 2628870 (VCV002628870.5), dbSNP rs371179136, ClinGen allele CA1979860.

ClinVar aggregate classification (germline): Uncertain significance. Review status: criteria provided, multiple submitters, no conflicts (2 of 4 stars). 2 submissions from 2 submitters: Uncertain significance (2). Last evaluated 2023-01-31.

Conditions:
NFE2L2-related disorder. Also called: NFE2L2-related condition.

Allele frequency attached by ClinVar (database versions not stated): gnomAD exomes below 0.00001; ExAC 0.00002; TOPMed 0.00002; ESP Exome Variant Server 0.00008.
gnomAD v4.1: 4 of 1,613,882 alleles (0.00025%); highest among the groups gnomAD compares: African/African-American, 0.0013%; no homozygotes.

Submissions (3):

Labcorp Genetics (formerly Invitae), Labcorp
Classification: Uncertain significance. Last evaluated: 2023-01-31. Review status: criteria provided, single submitter. Criteria: Invitae Variant Classification Sherloc (09022015). Collection method: clinical testing. Allele origin: germline.
Comment: In summary, the available evidence is currently insufficient to determine the role of this variant in disease. Therefore, it has been classified as a Variant of Uncertain Significance. Algorithms developed to predict the effect of missense changes on protein structure and function output the following: SIFT: "Tolerated"; PolyPhen-2: "Benign"; Align-GVGD: "Class C0". The serine amino acid residue is found in multiple mammalian species, which suggests that this missense change does not adversely affect protein function. This variant has not been reported in the literature in individuals affected with NFE2L2-related conditions. This variant is present in population databases (rs371179136, gnomAD 0.007%). This sequence change replaces glycine, which is neutral and non-polar, with serine, which is neutral and polar, at codon 149 of the NFE2L2 protein (p.Gly149Ser).

PreventionGenetics, part of Exact Sciences
Classification: Uncertain significance for NFE2L2-related condition. Last evaluated: 2023-01-06. Review status: criteria provided, single submitter. Criteria: ACMG Guidelines, 2015. Collection method: clinical testing. Allele origin: germline.
Comment: The NFE2L2 c.445G>A variant is predicted to result in the amino acid substitution p.Gly149Ser. To our knowledge, this variant has not been reported in the literature. This variant is reported in 0.0065% of alleles in individuals of African descent in gnomAD. At this time, the clinical significance of this variant is uncertain due to the absence of conclusive functional and genetic evidence.

Dr. Peter K. Rogan Lab, Western University
No classification provided (evidence only). Condition: Malignant tumor of urinary bladder. Review status: no classification provided. Collection method: in vitro. Allele origin: not applicable. Functional consequence: retained intron. Not counted in ClinVar's aggregate classification.